The following is an entry in ClinVar:

NM_000052.7(ATP7A):c.3802-21_3802-11dup

Gene: ATP7A (ATPase copper transporting alpha; plus strand). Cytogenetic location: Xq21.1.
Variant type: Duplication.
Coding change: c.3802-21_3802-11dup on transcript NM_000052.7 (MANE Select); 21 bases into the intron before coding-DNA position 3802 through 11 bases into the intron before coding-DNA position 3802, 11 bases duplicated (GAGTTTATTTT).
Molecular consequence: intron variant.
Genome position (GRCh38, 1-based): chrX:78,042,564-78,042,574, GAGTTTATTTT duplicated; duplicating any 11 consecutive bases within chrX:78,042,562-78,042,574 gives the same sequence; the c. name uses the placement nearest the transcript's 3' end. VCF-style (leftmost placement, unchanged base first): chrX-78042561-A-ATTGAGTTTATT. GRCh37 (hg19) VCF-style: chrX-77298059-A-ATTGAGTTTATT.
Other names: c.3568-21_3568-11dup (NM_001282224.2).
Identifiers: ClinVar variation 1700958 (VCV001700958.3), dbSNP rs782271446, ClinGen allele CA10459469.
Genomic context (GRCh38, chrX:78,042,561, plus strand): 5'-GAAAACTGATGGCTTGTTATTGCTCAGTTATGTTTCACGTACTCATTATTTTTTAAATGA[A>ATTGAGTTTATT]TTGAGTTTATTTTCATCACATAGGTTGGCATTACTAAGGTGTTTGCTGAAGTTCTACCTT-3'

ClinVar aggregate classification (germline): Likely benign (1 of 4 stars; one submission).

Submission:

GeneDx
Classification: Likely benign. Last evaluated: 2022-08-17. Review status: criteria provided, single submitter. Criteria: GeneDx Variant Classification Process June 2021. Collection method: clinical testing. Allele origin: germline. Affected: yes.
Comment: See Variant Classification Assertion Criteria.